The following is an entry in ClinVar:

NM_024757.5(EHMT1):c.887A>G (p.Tyr296Cys)

Gene: EHMT1 (euchromatic histone lysine methyltransferase 1; plus strand). Cytogenetic location: 9q34.3.
Variant type: single nucleotide variant.
Coding change: c.887A>G on transcript NM_024757.5 (MANE Select); coding-DNA position 887, A replaced by G.
Protein change: p.Tyr296Cys; replaces tyrosine 296 with cysteine.
Molecular consequence: missense variant.
Genome position (GRCh38, 1-based): chr9:137,743,434, A>G. VCF-style: chr9-137743434-A-G. GRCh37 (hg19) VCF-style: chr9-140637886-A-G.
Other names: c.887A>G, p.Tyr296Cys (NM_001145527.2, NM_001354611.2); c.794A>G, p.Tyr265Cys (NM_001354259.2, NM_001354612.2); c.866A>G, p.Tyr289Cys (NM_001354263.2); short protein forms Y265C, Y289C, Y296C.
Identifiers: ClinVar variation 1307086 (VCV001307086.2), dbSNP rs1363997058, ClinGen allele CA375777793.
Genomic context (GRCh38, chr9:137,743,434, plus strand): 5'-GCTTGCCTTTTGTTTTAGCAGCTGCAGTATCTCGGAAGAAAAAACGAAGAATGGGAACCT[A>G]TAGCCTGGTTCCTAAGAAAAAGACCAAAGTATTAAAACAGAGGACGGTGATTGAGATGTT-3'
Protein context (NP_079033.4, residues 286-306): SRKKKRRMGT[Tyr296Cys]SLVPKKKTKV

ClinVar aggregate classification (germline): Uncertain significance (1 of 4 stars; one submission).

Allele frequency attached by ClinVar (database versions not stated): gnomAD exomes below 0.00001.
gnomAD v4.1: 1 of 1,612,976 alleles (0.000062%); highest among the groups gnomAD compares: Non-Finnish European, 0.000085%; no homozygotes.

Submission:

GeneDx
Classification: Uncertain significance. Last evaluated: 2019-07-16. Review status: criteria provided, single submitter. Criteria: GeneDx Variant Classification Process June 2021. Collection method: clinical testing. Allele origin: germline. Affected: yes.
Comment: In silico analysis, which includes protein predictors and evolutionary conservation, supports a deleterious effect; Has not been previously published as pathogenic or benign to our knowledge